The following is an entry in ClinVar:

NM_019066.5(MAGEL2):c.2293G>A (p.Ala765Thr)

Gene: MAGEL2 (MAGE family member L2; minus strand). Cytogenetic location: 15q11.2.
Variant type: single nucleotide variant.
Coding change: c.2293G>A on transcript NM_019066.5 (MANE Select); coding-DNA position 2293, G replaced by A.
Protein change: p.Ala765Thr; replaces alanine 765 with threonine.
Molecular consequence: missense variant.
Genome position (GRCh38, 1-based): chr15:23,645,450, C>T on the plus strand (G>A on the coding strand, the complement: MAGEL2 is on the minus strand). VCF-style: chr15-23645450-C-T. GRCh37 (hg19) VCF-style: chr15-23890597-C-T.
Other names: short protein forms A765T.
Identifiers: ClinVar variation 1943381 (VCV001943381.5), dbSNP rs1890375514, ClinGen allele CA391332289.

ClinVar aggregate classification (germline): Uncertain significance (1 of 4 stars; one submission).

Allele frequency attached by ClinVar (database versions not stated): TOPMed below 0.00001; gnomAD 0.00001.
gnomAD v4.1: 1 of 1,613,842 alleles (0.000062%); highest among the groups gnomAD compares: African/African-American, 0.0013%; no homozygotes.

Submission:

Labcorp Genetics (formerly Invitae), Labcorp
Classification: Uncertain significance. Last evaluated: 2022-06-29. Review status: criteria provided, single submitter. Criteria: Invitae Variant Classification Sherloc (09022015). Collection method: clinical testing. Allele origin: germline.
Comment: In summary, the available evidence is currently insufficient to determine the role of this variant in disease. Therefore, it has been classified as a Variant of Uncertain Significance. Algorithms developed to predict the effect of missense changes on protein structure and function output the following: SIFT: "Not Available"; PolyPhen-2: "Not Available"; Align-GVGD: "Not Available". The threonine amino acid residue is found in multiple mammalian species, which suggests that this missense change does not adversely affect protein function. This variant has not been reported in the literature in individuals affected with MAGEL2-related conditions. This variant is not present in population databases (gnomAD no frequency). This sequence change replaces alanine, which is neutral and non-polar, with threonine, which is neutral and polar, at codon 765 of the MAGEL2 protein (p.Ala765Thr).